The following is an entry in ClinVar:

ClinVar aggregate classification (germline): Pathogenic/Likely pathogenic. Review status: criteria provided, multiple submitters, no conflicts (2 of 4 stars). 2 submissions from 2 submitters: Pathogenic (1); Likely pathogenic (1). Last evaluated 2025-09-20.

Conditions:
Metaphyseal anadysplasia 1, autosomal dominant (MANDP1). Also called: Metaphyseal anadysplasia 1. Identifiers: MedGen C4016643.

Submissions (2):

Labcorp Genetics (formerly Invitae), Labcorp
Classification: Pathogenic. Last evaluated: 2025-09-20. Review status: criteria provided, single submitter. Criteria: Invitae Variant Classification Sherloc (09022015). Collection method: clinical testing. Allele origin: germline.
Comment: This sequence change creates a premature translational stop signal (p.Gly25Valfs*19) in the MMP13 gene. It is expected to result in an absent or disrupted protein product. Loss-of-function variants in MMP13 are known to be pathogenic (PMID: 24781753, 31413057). This variant is present in population databases (rs748468302, gnomAD 0.009%). This variant has not been reported in the literature in individuals affected with MMP13-related conditions. ClinVar contains an entry for this variant (Variation ID: 1698555). For these reasons, this variant has been classified as Pathogenic.

Women's Health and Genetics/Laboratory Corporation of America, LabCorp
Classification: Likely pathogenic for Metaphyseal anadysplasia 1, autosomal dominant. Last evaluated: 2022-06-14. Review status: criteria provided, single submitter. Criteria: LabCorp Variant Classification Summary - May 2015. Collection method: clinical testing. Allele origin: germline.
Comment: Variant summary: MMP13 c.74delG (p.Gly25ValfsX19) results in a premature termination codon, predicted to cause a truncation of the encoded protein or absence of the protein due to nonsense mediated decay. Truncations downstream of this position have been associated with Metaphyseal dysplasia in HGMD and have been cited as pathogenic in ClinVar. The variant allele was found at a frequency of 1.6e-05 in 250912 control chromosomes (gnomAD). The available data on variant occurrences in the general population are insufficient to allow any conclusion about variant significance. To our knowledge, no occurrence of c.74delG in individuals affected with Metaphyseal dysplasia and no experimental evidence demonstrating its impact on protein function have been reported. Loss-of-function variants in MMP13 have been reported in homozygous and compound heterozygous individuals affected with autosomal recessive Metaphyseal dysplasia (Spahr type), inherited from unaffected heterozygous parents (PMIDs: 24781753, 31413057). No clinical diagnostic laboratories have submitted clinical-significance assessments for this variant to ClinVar after 2014. Based on the evidence outlined above, the variant was classified as likely pathogenic.

Literature cited by the submitters: PubMed 24781753 (cited by Labcorp Genetics (formerly Invitae), Labcorp); PubMed 31413057 (cited by Labcorp Genetics (formerly Invitae), Labcorp).

NM_002427.4(MMP13):c.74del (p.Gly25fs)

Genes: MMP13 (matrix metallopeptidase 13; minus strand), LOC126861318 (BRD4-independent group 4 enhancer GRCh37_chr11:102825894-102827093; plus strand). Cytogenetic location: 11q22.2.
Variant type: Deletion.
Coding change: c.74del on transcript NM_002427.4 (MANE Select); coding-DNA position 74, one base deleted (G; older notation c.74delG).
Protein change: p.Gly25fs; shifts the reading frame from glycine 25.
Molecular consequence: frameshift variant.
Genome position (GRCh38, 1-based): chr11:102,955,632, C deleted on the plus strand (G on the coding strand, the reverse complement: MMP13 is on the minus strand); the first of 2 consecutive C bases (chr11:102,955,632-102,955,633); deleting either gives the same sequence. VCF-style (leftmost placement, unchanged base first): chr11-102955631-AC-A. GRCh37 (hg19) VCF-style: chr11-102826360-AC-A.
Other names: short protein forms G25fs.
Identifiers: ClinVar variation 1698555 (VCV001698555.2), dbSNP rs748468302, ClinGen allele CA6252079.
Genomic context (GRCh38, chr11:102,955,631, plus strand): 5'-GGCAAGATACTCTACCTCTGCAAACTGGAGGTCTTCCTCAGACAAATCATCTTCATCACC[AC>A]CACTGGGAAGGGGCAGGGCCCGACAATGAGTCCAGCTCAAGAAGAGGAAGGCAGCCAGGA-3'